The following is an entry in ClinVar:

ClinVar aggregate classification (germline): Conflicting classifications of pathogenicity. Review status: criteria provided, conflicting classifications (1 of 4 stars). 4 submissions from 4 submitters: Uncertain significance (3); Likely benign (1). Last evaluated 2025-02-12.

Conditions:
Distal myopathy with posterior leg and anterior hand involvement. Also called: WILLIAMS DISTAL MYOPATHY. Identifiers: Orphanet 63273, MedGen C3279722, MONDO:0013550, OMIM 614065.
Myofibrillar myopathy 5. Also called: FILAMINOPATHY, AUTOSOMAL DOMINANT; Filaminopathy (type). Identifiers: Orphanet 171445, MedGen C1836050, MONDO:0012289, OMIM 609524.
Hypertrophic cardiomyopathy 26. Also called: Cardiomyopathy, familial hypertrophic, 26. Identifiers: Orphanet 75249, MedGen C4310749, MONDO:0014883, OMIM 617047.
Cardiovascular phenotype. Identifiers: MedGen CN230736.

Allele frequency attached by ClinVar (database versions not stated): TOPMed below 0.00001; gnomAD 0.00002; gnomAD exomes 0.00002; ExAC 0.00003; ESP Exome Variant Server 0.00008.
gnomAD v4.1: 31 of 1,613,922 alleles (0.0019%); highest among the groups gnomAD compares: Non-Finnish European, 0.0025%; no homozygotes.

Submissions (4):

Labcorp Genetics (formerly Invitae), Labcorp
Classification: Likely benign for Distal myopathy with posterior leg and anterior hand involvement; Myofibrillar myopathy 5; Hypertrophic cardiomyopathy 26. Last evaluated: 2025-02-12. Review status: criteria provided, single submitter. Criteria: Invitae Variant Classification Sherloc (09022015). Collection method: clinical testing. Allele origin: germline.

GeneDx
Classification: Uncertain significance. Last evaluated: 2023-06-06. Review status: criteria provided, single submitter. Criteria: GeneDx Variant Classification Process June 2021. Collection method: clinical testing. Allele origin: germline. Affected: yes.
Comment: Has not been previously published as pathogenic or benign to our knowledge; Not observed at significant frequency in large population cohorts (gnomAD); In silico analysis supports that this missense variant does not alter protein structure/function; This variant is associated with the following publications: (PMID: 26582918)

Revvity Omics, Revvity
Classification: Uncertain significance. Last evaluated: 2020-06-10. Review status: criteria provided, single submitter. Criteria: ACMG Guidelines, 2015. Collection method: clinical testing. Allele origin: germline.

Ambry Genetics
Classification: Uncertain significance for Cardiovascular phenotype. Last evaluated: 2019-06-24. Review status: criteria provided, single submitter. Criteria: Ambry Variant Classification Scheme 2023. Collection method: clinical testing. Allele origin: germline.
Comment: The p.E2516K variant (also known as c.7546G>A), located in coding exon 45 of the FLNC gene, results from a G to A substitution at nucleotide position 7546. The glutamic acid at codon 2516 is replaced by lysine, an amino acid with similar properties. This amino acid position is highly conserved in available vertebrate species. In addition, the in silico prediction for this alteration is inconclusive. Since supporting evidence is limited at this time, the clinical significance of this alteration remains unclear.

NM_001458.5(FLNC):c.7546G>A (p.Glu2516Lys)

Genes: FLNC-AS1 (FLNC antisense RNA 1; minus strand), FLNC (filamin C; plus strand). Cytogenetic location: 7q32.1.
Variant type: single nucleotide variant.
Coding change: c.7546G>A on transcript NM_001458.5 (MANE Select); coding-DNA position 7546, G replaced by A.
Protein change: p.Glu2516Lys; replaces glutamic acid 2516 with lysine.
Molecular consequence: missense variant.
Genome position (GRCh38, 1-based): chr7:128,856,906, G>A. VCF-style: chr7-128856906-G-A. GRCh37 (hg19) VCF-style: chr7-128496960-G-A.
Other names: c.7447G>A, p.Glu2483Lys (NM_001127487.2); short protein forms E2516K, E2483K.
Identifiers: ClinVar variation 566614 (VCV000566614.11), dbSNP rs373691962, ClinGen allele CA4476289.